The following is an entry in ClinVar:

NM_001267550.2(TTN):c.29577A>G (p.Gln9859=)

Gene: TTN (titin; minus strand). Cytogenetic location: 2q31.2.
Variant type: single nucleotide variant.
Coding change: c.29577A>G on transcript NM_001267550.2 (MANE Select); coding-DNA position 29577, A replaced by G.
Protein change: p.Gln9859=; no amino-acid change (glutamine 9859 retained).
Molecular consequence: synonymous variant. On other transcripts: intron variant (3).
Genome position (GRCh38, 1-based): chr2:178,705,201, T>C on the plus strand (A>G on the coding strand, the complement: TTN is on the minus strand). VCF-style: chr2-178705201-T-C. GRCh37 (hg19) VCF-style: chr2-179569928-T-C.
Other names: c.28626A>G, p.Gln9542= (NM_001256850.1); c.25845A>G, p.Gln8615= (NM_133378.4); c.13282+32881A>G (NM_003319.4); c.13858+32881A>G (NM_133437.4); c.13657+32881A>G (NM_133432.3).
Identifiers: ClinVar variation 381906 (VCV000381906.35), dbSNP rs368780181, ClinGen allele CA1999360.

ClinVar aggregate classification (germline): Conflicting classifications of pathogenicity. Review status: criteria provided, conflicting classifications (1 of 4 stars). 9 submissions from 5 submitters: Uncertain significance (6); Likely benign (3). Last evaluated 2025-10-13.

Conditions:
Early-onset myopathy with fatal cardiomyopathy (CMYO5). Also called: CONGENITAL MYOPATHY 5 WITH CARDIOMYOPATHY; Salih Myopathy. Identifiers: Orphanet 289377, MedGen C2673677, MONDO:0012714, OMIM 611705. Disease mechanism: loss of function.
Myopathy, myofibrillar, 9, with early respiratory failure (MFM9). Also called: Myopathy, distal, with early respiratory failure, autosomal dominant; Hereditary myopathy with early respiratory failure; MYOPATHY, PROXIMAL, WITH EARLY RESPIRATORY MUSCLE INVOLVEMENT; EDSTROM MYOPATHY. Identifiers: Orphanet 178464, Orphanet 34521, MedGen C1863599, MONDO:0011362, OMIM 603689.
Autosomal recessive limb-girdle muscular dystrophy type 2J (LGMDR10). Also called: Limb-girdle muscular dystrophy, type 2J; MUSCULAR DYSTROPHY, LIMB-GIRDLE, AUTOSOMAL RECESSIVE 10. Identifiers: Orphanet 140922, MedGen C1837342, MONDO:0012127, OMIM 608807.
TTN-related disorder. Also called: TTN-related condition; TTN-related disease; TTN-related disorders.
Tibial muscular dystrophy (TMD). Also called: Tibial muscular dystrophy, tardive; Udd Distal Myopathy – Tibial Muscular Dystrophy; UDD MYOPATHY. Identifiers: Orphanet 609, MedGen C1838244, MONDO:0010870, OMIM 600334.
Dilated cardiomyopathy 1G (CMD1G). Identifiers: Orphanet 154, MedGen C1858763, MONDO:0011400, OMIM 604145.

Allele frequency attached by ClinVar (database versions not stated): ExAC 0.00001; gnomAD exomes 0.00002 and 0.00005; TOPMed 0.00004; gnomAD 0.00005 and 0.00006; ESP Exome Variant Server 0.00008.
gnomAD v4.1: 85 of 1,613,390 alleles (0.0053%); highest among the groups gnomAD compares: African/African-American, 0.0067%; no homozygotes.

Submissions (9):

PreventionGenetics, part of Exact Sciences
Classification: Likely benign for TTN-related condition. Last evaluated: 2025-10-13. Review status: criteria provided, single submitter. Criteria: ACMG Guidelines, 2015. Collection method: clinical testing. Allele origin: germline.
Comment: This variant is classified as likely benign based on ACMG/AMP sequence variant interpretation guidelines (Richards et al. 2015 PMID: 25741868, with internal and published modifications).

CeGaT Center for Human Genetics Tuebingen
Classification: Likely benign. Last evaluated: 2022-11-01. Review status: criteria provided, single submitter. Criteria: CeGaT Center For Human Genetics Tuebingen Variant Classification Criteria Version 2. Collection method: clinical testing. Allele origin: germline. Affected: yes. Observed: 1 variant allele.
Comment: TTN: BP4, BP7

GeneDx
Classification: Likely benign. Last evaluated: 2021-05-06. Review status: criteria provided, single submitter. Criteria: GeneDx Variant Classification Process June 2021. Collection method: clinical testing. Allele origin: germline. Affected: yes.

Illumina Laboratory Services, Illumina
Classification: Uncertain significance for Dilated cardiomyopathy 1G. Last evaluated: 2018-01-13. Review status: criteria provided, single submitter. Criteria: ICSL Variant Classification Criteria 13 December 2019. Collection method: clinical testing. Allele origin: germline.

Illumina Laboratory Services, Illumina
Classification: Uncertain significance for Autosomal recessive limb-girdle muscular dystrophy type 2J. Last evaluated: 2018-01-13. Review status: criteria provided, single submitter. Criteria: ICSL Variant Classification Criteria 13 December 2019. Collection method: clinical testing. Allele origin: germline.

Illumina Laboratory Services, Illumina
Classification: Uncertain significance for Early-onset myopathy with fatal cardiomyopathy. Last evaluated: 2018-01-13. Review status: criteria provided, single submitter. Criteria: ICSL Variant Classification Criteria 13 December 2019. Collection method: clinical testing. Allele origin: germline.

Illumina Laboratory Services, Illumina
Classification: Uncertain significance for Myopathy, myofibrillar, 9, with early respiratory failure. Last evaluated: 2018-01-13. Review status: criteria provided, single submitter. Criteria: ICSL Variant Classification Criteria 13 December 2019. Collection method: clinical testing. Allele origin: germline.

Illumina Laboratory Services, Illumina
Classification: Uncertain significance for Tibial muscular dystrophy. Last evaluated: 2018-01-13. Review status: criteria provided, single submitter. Criteria: ICSL Variant Classification Criteria 13 December 2019. Collection method: clinical testing. Allele origin: germline.

Eurofins Ntd Llc (ga)
Classification: Uncertain significance. Last evaluated: 2017-02-08. Review status: criteria provided, single submitter. Criteria: EGL Classification Definitions 2015. Collection method: clinical testing. Allele origin: germline. Observed: 3 variant alleles, 3 heterozygotes.